The following is an entry in ClinVar:

NM_130837.3(OPA1):c.272C>G (p.Ala91Gly)

Gene: OPA1 (OPA1 mitochondrial dynamin like GTPase; plus strand). Cytogenetic location: 3q29.
Variant type: single nucleotide variant.
Coding change: c.272C>G on transcript NM_130837.3 (MANE Select); coding-DNA position 272, C replaced by G.
Protein change: p.Ala91Gly; replaces alanine 91 with glycine.
Molecular consequence: missense variant. On other transcripts: 5 prime UTR variant (2).
Genome position (GRCh38, 1-based): chr3:193,614,962, C>G. VCF-style: chr3-193614962-C-G. GRCh37 (hg19) VCF-style: chr3-193332751-C-G.
Other names: c.-101C>G (NM_001354663.2, NM_001354664.2); c.272C>G, p.Ala91Gly (NM_015560.3, NM_130831.3, NM_130832.3 and 4 more transcripts); short protein forms A91G.
Identifiers: ClinVar variation 426433 (VCV000426433.2), dbSNP rs1085307621, ClinGen allele CA355786864.

ClinVar aggregate classification (germline): Uncertain significance (1 of 4 stars; one submission).

Submission:

GeneDx
Classification: Uncertain significance. Last evaluated: 2018-09-05. Review status: criteria provided, single submitter. Criteria: GeneDx Variant Classification (06012015). Collection method: clinical testing. Allele origin: germline. Affected: yes.
Comment: The A91G variant in the OPA1 gene has not been reported previously as a pathogenic variant, nor as a benign variant, to our knowledge. The A91G variant is not observed in large population cohorts (Lek et al., 2016; 1000 Genomes Consortium et al., 2015; Exome Variant Server). The A91G variant is a conservative amino acid substitution, which is not likely to impact secondary protein structure as these residues share similar properties. This substitution occurs at a position that is conserved across species. In silico analysis is inconsistent in its predictions as to whether or not the variant is damaging to the protein structure/function. We interpret A91G as a variant of uncertain significance.